The following is an entry in ClinVar:

ClinVar aggregate classification (germline): Uncertain significance (1 of 4 stars; one submission).

gnomAD v4.1: 3 of 1,581,600 alleles (0.00019%); highest among the groups gnomAD compares: Non-Finnish European, 0.00017%; no homozygotes.

Submission:

Ambry Genetics
Classification: Uncertain significance. Last evaluated: 2024-12-15. Review status: criteria provided, single submitter. Criteria: Ambry Variant Classification Scheme 2023. Collection method: clinical testing. Allele origin: germline.
Comment: The p.P367L variant (also known as c.1100C>T), located in coding exon 10 of the GEN1 gene, results from a C to T substitution at nucleotide position 1100. The proline at codon 367 is replaced by leucine, an amino acid with similar properties. This amino acid position is conserved. In addition, the in silico prediction for this alteration is inconclusive. Based on the available evidence, the clinical significance of this variant remains unclear.

NM_001130009.3(GEN1):c.1100C>T (p.Pro367Leu)

Gene: GEN1 (GEN1 Holliday junction 5' flap endonuclease; plus strand). Cytogenetic location: 2p24.2.
Variant type: single nucleotide variant.
Coding change: c.1100C>T on transcript NM_001130009.3 (MANE Select); coding-DNA position 1100, C replaced by T.
Protein change: p.Pro367Leu; replaces proline 367 with leucine.
Molecular consequence: missense variant.
Genome position (GRCh38, 1-based): chr2:17,774,299, C>T. VCF-style: chr2-17774299-C-T. GRCh37 (hg19) VCF-style: chr2-17955566-C-T.
Other names: c.1100C>T, p.Pro367Leu (NM_182625.5); short protein forms P367L.
Identifiers: ClinVar variation 3853428 (VCV003853428.1).